The following is an entry in ClinVar:

ClinVar aggregate classification (germline): Uncertain significance (1 of 4 stars; one submission).

Conditions:
Epilepsy, familial adult myoclonic, 5 (EPEO5). Also called: CORTICAL MYOCLONIC TREMOR WITH EPILEPSY, FAMILIAL, 5. Identifiers: Orphanet 86814, MedGen C3809374, MONDO:0014167, OMIM 615400.

Submission:

Labcorp Genetics (formerly Invitae), Labcorp
Classification: Uncertain significance for Epilepsy, familial adult myoclonic, 5. Last evaluated: 2022-02-28. Review status: criteria provided, single submitter. Criteria: Invitae Variant Classification Sherloc (09022015). Collection method: clinical testing. Allele origin: germline.
Comment: This variant has not been reported in the literature in individuals affected with CNTN2-related conditions. Advanced modeling of protein sequence and biophysical properties (such as structural, functional, and spatial information, amino acid conservation, physicochemical variation, residue mobility, and thermodynamic stability) performed at Invitae indicates that this missense variant is not expected to disrupt CNTN2 protein function. In summary, the available evidence is currently insufficient to determine the role of this variant in disease. Therefore, it has been classified as a Variant of Uncertain Significance. This variant is not present in population databases (gnomAD no frequency). This sequence change replaces arginine, which is basic and polar, with serine, which is neutral and polar, at codon 432 of the CNTN2 protein (p.Arg432Ser).

NM_005076.5(CNTN2):c.1294C>A (p.Arg432Ser)

Gene: CNTN2 (contactin 2; plus strand). Cytogenetic location: 1q32.1.
Variant type: single nucleotide variant.
Coding change: c.1294C>A on transcript NM_005076.5 (MANE Select); coding-DNA position 1294, C replaced by A.
Protein change: p.Arg432Ser; replaces arginine 432 with serine.
Molecular consequence: missense variant. On other transcripts: non-coding transcript variant (1).
Genome position (GRCh38, 1-based): chr1:205,064,375, C>A. VCF-style: chr1-205064375-C-A. GRCh37 (hg19) VCF-style: chr1-205033503-C-A.
Other names: c.1294C>A, p.Arg432Ser (NM_001346083.2); short protein forms R432S.
Identifiers: ClinVar variation 2197097 (VCV002197097.4), dbSNP rs531063248, ClinGen allele CA344374776.
Genomic context (GRCh38, chr1:205,064,375, plus strand): 5'-CTTCTAGCACTCGCCCCTGACTTCAGGCTGAATCCCGTGAGGCGTCTGATCCCCGCGGCC[C>A]GCGGGGGAGAGATCCTTATCCCCTGCCAGCCCCGGGCAGCTCCAAAGGCCGTGGTGCTCT-3'
Protein context (NP_005067.1, residues 422-442): NPVRRLIPAA[Arg432Ser]GGEILIPCQP